The following is an entry in ClinVar:

NM_177438.3(DICER1):c.619G>A (p.Ala207Thr)

Gene: DICER1 (dicer 1, ribonuclease III; minus strand). Cytogenetic location: 14q32.13.
Variant type: single nucleotide variant.
Coding change: c.619G>A on transcript NM_177438.3 (MANE Select); coding-DNA position 619, G replaced by A.
Protein change: p.Ala207Thr; replaces alanine 207 with threonine.
Molecular consequence: missense variant. On other transcripts: 5 prime UTR variant (1), non-coding transcript variant (6).
Genome position (GRCh38, 1-based): chr14:95,129,587, C>T on the plus strand (G>A on the coding strand, the complement: DICER1 is on the minus strand). VCF-style: chr14-95129587-C-T. GRCh37 (hg19) VCF-style: chr14-95595924-C-T.
Other names: c.619G>A, p.Ala207Thr (NM_001195573.1, NM_001271282.3, NM_001291628.2 and 15 more transcripts); c.337G>A, p.Ala113Thr (NM_001395686.1); c.214G>A, p.Ala72Thr (NM_001395687.1, NM_001395688.1, NM_001395689.1 and 3 more transcripts); c.52G>A, p.Ala18Thr (NM_001395691.1); c.-950G>A (NM_001395697.1); short protein forms A207T, A72T, A18T, A113T.
Identifiers: ClinVar variation 1752153 (VCV001752153.2), dbSNP rs2140261084, ClinGen allele CA390888217.

ClinVar aggregate classification (germline): Uncertain significance (1 of 4 stars; one submission).

Conditions:
Hereditary cancer-predisposing syndrome. Also called: Hereditary Cancer Syndrome; Hereditary neoplastic syndrome; Neoplastic Syndromes, Hereditary; Tumor predisposition. Identifiers: Orphanet 140162, MedGen C0027672, MeSH D009386, MONDO:0015356.

Allele frequency attached by ClinVar (database versions not stated): gnomAD exomes below 0.00001.
gnomAD v4.1: 2 of 1,613,408 alleles (0.00012%); highest among the groups gnomAD compares: African/African-American, 0.0013%; no homozygotes.

Submission:

Ambry Genetics
Classification: Uncertain significance for Hereditary cancer-predisposing syndrome. Last evaluated: 2022-06-29. Review status: criteria provided, single submitter. Criteria: Ambry Variant Classification Scheme 2023. Collection method: clinical testing. Allele origin: germline.
Comment: The p.A207T variant (also known as c.619G>A), located in coding exon 5 of the DICER1 gene, results from a G to A substitution at nucleotide position 619. The alanine at codon 207 is replaced by threonine, an amino acid with similar properties. This amino acid position is highly conserved in available vertebrate species. In addition, this alteration is predicted to be deleterious by in silico analysis. Since supporting evidence is limited at this time, the clinical significance of this alteration remains unclear.